The following is an entry in ClinVar:

ClinVar aggregate classification (germline): Benign/Likely benign. Review status: criteria provided, multiple submitters, no conflicts (2 of 4 stars). 11 submissions from 11 submitters: Benign (8); Likely benign (1). 2 of the submissions do not count toward it. Last evaluated 2026-02-01.

Conditions:
Cerebral arteriopathy, autosomal dominant, with subcortical infarcts and leukoencephalopathy, type 1 (CADASIL1). Also called: CASIL; Cerebral arteriopathy with subcortical infarcts and leukoencephalopathy 1; DEMENTIA, HEREDITARY MULTIINFARCT TYPE; CADASIL 1. Identifiers: Orphanet 136, MedGen C4551768, MONDO:0000914, OMIM 125310.

Allele frequency attached by ClinVar (database versions not stated): gnomAD exomes 0.01696 and 0.03519; ExAC 0.04188; gnomAD 0.11455 and 0.12317; 1000 Genomes Project 0.12181; TOPMed 0.12930; ESP Exome Variant Server 0.13009; 1000 Genomes Project 30x 0.13086.
gnomAD v4.1: 43,070 of 1,614,030 alleles (2.7%); highest among the groups gnomAD compares: African/African-American, 38%; 5,850 homozygotes.

Submissions (11):

Labcorp Genetics (formerly Invitae), Labcorp
Classification: Benign. Last evaluated: 2026-02-01. Review status: criteria provided, single submitter. Criteria: Invitae Variant Classification Sherloc (09022015). Collection method: clinical testing. Allele origin: germline.

Athena Diagnostics
Classification: Benign. Last evaluated: 2025-05-07. Review status: criteria provided, single submitter. Criteria: Athena Diagnostics Criteria. Collection method: clinical testing. Allele origin: unknown.
Comment: The frequency of this variant in the general population is higher than would generally be expected for pathogenic variants in this gene.

Blueprint Genetics
Classification: Likely benign. Last evaluated: 2024-11-28. Review status: criteria provided, single submitter. Criteria: ACMG Guidelines, 2015. Collection method: clinical testing. Allele origin: germline.

Mayo Clinic Laboratories, Mayo Clinic
Classification: Benign. Last evaluated: 2022-04-26. Review status: criteria provided, single submitter. Criteria: ACMG Guidelines, 2015. Collection method: clinical testing. Allele origin: germline. Observed: 322 variant alleles.

GeneDx
Classification: Benign. Last evaluated: 2021-05-04. Review status: criteria provided, single submitter. Criteria: GeneDx Variant Classification Process June 2021. Collection method: clinical testing. Allele origin: germline. Affected: yes.

ARUP Laboratories, Molecular Genetics and Genomics, ARUP Laboratories
Classification: Benign. Last evaluated: 2020-12-30. Review status: criteria provided, single submitter. Criteria: ARUP Molecular Germline Variant Investigation Process 2021. Collection method: clinical testing. Allele origin: germline.

Illumina Laboratory Services, Illumina
Classification: Benign for Cerebral arteriopathy, autosomal dominant, with subcortical infarcts and leukoencephalopathy, type 1. Last evaluated: 2018-01-12. Review status: criteria provided, single submitter. Criteria: ICSL Variant Classification Criteria 13 December 2019. Collection method: clinical testing. Allele origin: germline.
Comment: This variant was observed in the ICSL laboratory as part of a predisposition screen in an ostensibly healthy population. It had not been previously curated by ICSL or reported in the Human Gene Mutation Database (HGMD: prior to June 1st, 2018), and was therefore a candidate for classification through an automated scoring system. Utilizing variant allele frequency, disease prevalence and penetrance estimates, and inheritance mode, an automated score was calculated to assess if this variant is too frequent to cause the disease. Based on the score and internal cut-off values, a variant classified as benign is not then subjected to further curation. The score for this variant resulted in a classification of benign for this disease.

Breakthrough Genomics
Classification: Benign. Review status: criteria provided, single submitter. Criteria: ACMG Guidelines, 2015. Collection method: not provided. Allele origin: germline. Inheritance: Autosomal dominant inheritance. Affected: yes.

PreventionGenetics, part of Exact Sciences
Classification: Benign. Review status: criteria provided, single submitter. Criteria: ACMG Guidelines, 2015. Collection method: clinical testing. Allele origin: germline.

Genome Diagnostics Laboratory, Amsterdam University Medical Center
Classification: Benign. Review status: no assertion criteria provided. Collection method: clinical testing. Allele origin: germline. Affected: yes. Study: VKGL Data-share Consensus. Not counted in ClinVar's aggregate classification.

Laboratory of Diagnostic Genome Analysis, Leiden University Medical Center (LUMC)
Classification: Likely benign. Review status: no assertion criteria provided. Collection method: clinical testing. Allele origin: germline. Affected: yes. Study: VKGL Data-share Consensus. Not counted in ClinVar's aggregate classification.

NM_000435.3(NOTCH3):c.5526T>C (p.Ala1842=)

Gene: NOTCH3 (notch receptor 3; minus strand). Cytogenetic location: 19p13.12.
Variant type: single nucleotide variant.
Coding change: c.5526T>C on transcript NM_000435.3 (MANE Select); coding-DNA position 5526, T replaced by C.
Protein change: p.Ala1842=; no amino-acid change (alanine 1842 retained).
Molecular consequence: synonymous variant.
Genome position (GRCh38, 1-based): chr19:15,165,928, A>G on the plus strand (T>C on the coding strand, the complement: NOTCH3 is on the minus strand). VCF-style: chr19-15165928-A-G. GRCh37 (hg19) VCF-style: chr19-15276739-A-G.
Other names: p.Ala1842=.
Identifiers: ClinVar variation 256144 (VCV000256144.30), dbSNP rs16980398, ClinGen allele CA9262607.